The following is an entry in ClinVar:

NM_003737.4(DCHS1):c.3386C>T (p.Ala1129Val)

Gene: DCHS1 (dachsous cadherin-related 1; minus strand). Cytogenetic location: 11p15.4.
Variant type: single nucleotide variant.
Coding change: c.3386C>T on transcript NM_003737.4 (MANE Select); coding-DNA position 3386, C replaced by T.
Protein change: p.Ala1129Val; replaces alanine 1129 with valine.
Molecular consequence: missense variant.
Genome position (GRCh38, 1-based): chr11:6,632,126, G>A on the plus strand (C>T on the coding strand, the complement: DCHS1 is on the minus strand). VCF-style: chr11-6632126-G-A. GRCh37 (hg19) VCF-style: chr11-6653357-G-A.
Other names: short protein forms A1129V.
Identifiers: ClinVar variation 4742983 (VCV004742983.1).

ClinVar aggregate classification (germline): Uncertain significance (1 of 4 stars; one submission).

gnomAD v4.1: 1 of 1,574,660 alleles (0.000064%); highest among the groups gnomAD compares: Non-Finnish European, 0.000086%; no homozygotes.

Submission:

Labcorp Genetics (formerly Invitae), Labcorp
Classification: Uncertain significance. Last evaluated: 2025-06-17. Review status: criteria provided, single submitter. Criteria: Invitae Variant Classification Sherloc (09022015). Collection method: clinical testing. Allele origin: germline.
Comment: This sequence change replaces alanine, which is neutral and non-polar, with valine, which is neutral and non-polar, at codon 1129 of the DCHS1 protein (p.Ala1129Val). This variant is not present in population databases (gnomAD no frequency). This variant has not been reported in the literature in individuals affected with DCHS1-related conditions. Invitae Evidence Modeling of protein sequence and biophysical properties (such as structural, functional, and spatial information, amino acid conservation, physicochemical variation, residue mobility, and thermodynamic stability) indicates that this missense variant is expected to disrupt DCHS1 protein function with a positive predictive value of 80%. In summary, the available evidence is currently insufficient to determine the role of this variant in disease. Therefore, it has been classified as a Variant of Uncertain Significance.